The following is an entry in ClinVar:

ClinVar aggregate classification (germline): Uncertain significance (1 of 4 stars; one submission).

gnomAD v4.1: 11 of 1,579,944 alleles (0.0007%); highest among the groups gnomAD compares: Non-Finnish European, 0.00094%; no homozygotes.

Submission:

GeneDx
Classification: Uncertain significance. Last evaluated: 2026-01-27. Review status: criteria provided, single submitter. Criteria: GeneDx Variant Classification Process June 2021. Collection method: clinical testing. Allele origin: germline.
Comment: Not observed at significant frequency in large population cohorts (gnomAD); In silico analysis suggests that this missense variant does not alter protein structure/function; Has not been previously published as pathogenic or benign to our knowledge

NM_001042681.2(RERE):c.3268A>G (p.Thr1090Ala)

Gene: RERE (arginine-glutamic acid dipeptide repeats; minus strand). Cytogenetic location: 1p36.23.
Variant type: single nucleotide variant.
Coding change: c.3268A>G on transcript NM_001042681.2 (MANE Select); coding-DNA position 3268, A replaced by G.
Protein change: p.Thr1090Ala; replaces threonine 1090 with alanine.
Molecular consequence: missense variant.
Genome position (GRCh38, 1-based): chr1:8,360,239, T>C on the plus strand (A>G on the coding strand, the complement: RERE is on the minus strand). VCF-style: chr1-8360239-T-C. GRCh37 (hg19) VCF-style: chr1-8420299-T-C.
Other names: c.1606A>G, p.Thr536Ala (NM_001042682.2); c.3268A>G, p.Thr1090Ala (NM_012102.4); short protein forms T1090A, T536A.
Identifiers: ClinVar variation 4975547 (VCV004975547.1).